The following is an entry in ClinVar:

ClinVar aggregate classification (germline): Benign/Likely benign. Review status: criteria provided, multiple submitters, no conflicts (2 of 4 stars). 16 submissions from 13 submitters: Benign (8); Likely benign (7). 1 of the submissions does not count toward it. Last evaluated 2026-01-27.

Conditions:
Cardiovascular phenotype. Identifiers: MedGen CN230736.
TTN-related disorder. Also called: TTN-related disorders; TTN-related condition; TTN-related disease.
Autosomal recessive limb-girdle muscular dystrophy type 2J (LGMDR10). Also called: Limb-girdle muscular dystrophy, type 2J; MUSCULAR DYSTROPHY, LIMB-GIRDLE, AUTOSOMAL RECESSIVE 10. Identifiers: Orphanet 140922, MedGen C1837342, MONDO:0012127, OMIM 608807.
Dilated cardiomyopathy 1G (CMD1G). Identifiers: Orphanet 154, MedGen C1858763, MONDO:0011400, OMIM 604145.
Myopathy, myofibrillar, 9, with early respiratory failure (MFM9). Also called: EDSTROM MYOPATHY; MYOPATHY, PROXIMAL, WITH EARLY RESPIRATORY MUSCLE INVOLVEMENT; Hereditary myopathy with early respiratory failure; Myopathy, distal, with early respiratory failure, autosomal dominant. Identifiers: Orphanet 178464, Orphanet 34521, MedGen C1863599, MONDO:0011362, OMIM 603689.
Tibial muscular dystrophy (TMD). Also called: Udd Distal Myopathy – Tibial Muscular Dystrophy; UDD MYOPATHY; Tibial muscular dystrophy, tardive. Identifiers: Orphanet 609, MedGen C1838244, MONDO:0010870, OMIM 600334.
Early-onset myopathy with fatal cardiomyopathy (CMYO5). Also called: Salih Myopathy; CONGENITAL MYOPATHY 5 WITH CARDIOMYOPATHY. Identifiers: Orphanet 289377, MedGen C2673677, MONDO:0012714, OMIM 611705. Disease mechanism: loss of function.

Allele frequency attached by ClinVar (database versions not stated): gnomAD exomes 0.00008 and 0.00018; ExAC 0.00023; ESP Exome Variant Server 0.00040; gnomAD 0.00058 and 0.00059; TOPMed 0.00068; 1000 Genomes Project 0.00140; 1000 Genomes Project 30x 0.00172.
gnomAD v4.1: 210 of 1,613,580 alleles (0.013%); highest among the groups gnomAD compares: African/African-American, 0.22%; no homozygotes.

Submissions (16):

Labcorp Genetics (formerly Invitae), Labcorp
Classification: Benign for Dilated cardiomyopathy 1G; Autosomal recessive limb-girdle muscular dystrophy type 2J. Last evaluated: 2026-01-27. Review status: criteria provided, single submitter. Criteria: Invitae Variant Classification Sherloc (09022015). Collection method: clinical testing. Allele origin: germline.

Molecular Diagnostic Laboratory for Inherited Cardiovascular Disease, Montreal Heart Institute
Classification: Benign. Last evaluated: 2025-04-09. Review status: criteria provided, single submitter. Criteria: ACMG Guidelines, 2015. Collection method: clinical testing. Allele origin: germline. Affected: no.

Mayo Clinic Laboratories, Mayo Clinic
Classification: Likely benign. Last evaluated: 2025-03-28. Review status: criteria provided, single submitter. Criteria: ACMG Guidelines, 2015. Collection method: clinical testing. Allele origin: germline. Observed: 1 variant allele.
Comment: BP4, BP7

Blueprint Genetics
Classification: Likely benign. Last evaluated: 2024-07-14. Review status: criteria provided, single submitter. Criteria: ACMG Guidelines, 2015. Collection method: clinical testing. Allele origin: germline.

CeGaT Center for Human Genetics Tuebingen
Classification: Likely benign. Last evaluated: 2024-04-01. Review status: criteria provided, single submitter. Criteria: CeGaT Center For Human Genetics Tuebingen Variant Classification Criteria Version 2. Collection method: clinical testing. Allele origin: germline. Affected: yes. Observed: 1 variant allele.
Comment: TTN: BP4, BP7

Genome-Nilou Lab
Classification: Benign for Autosomal recessive limb-girdle muscular dystrophy type 2J. Last evaluated: 2021-09-10. Review status: criteria provided, single submitter. Criteria: ACMG Guidelines, 2015. Collection method: clinical testing. Allele origin: germline. Affected: no.

Genome-Nilou Lab
Classification: Benign for Myopathy, myofibrillar, 9, with early respiratory failure. Last evaluated: 2021-09-10. Review status: criteria provided, single submitter. Criteria: ACMG Guidelines, 2015. Collection method: clinical testing. Allele origin: germline. Affected: no.

Genome-Nilou Lab
Classification: Benign for Early-onset myopathy with fatal cardiomyopathy. Last evaluated: 2021-09-10. Review status: criteria provided, single submitter. Criteria: ACMG Guidelines, 2015. Collection method: clinical testing. Allele origin: germline. Affected: no.

Genome-Nilou Lab
Classification: Benign for Tibial muscular dystrophy. Last evaluated: 2021-09-10. Review status: criteria provided, single submitter. Criteria: ACMG Guidelines, 2015. Collection method: clinical testing. Allele origin: germline. Affected: no.

Women's Health and Genetics/Laboratory Corporation of America, LabCorp
Classification: Likely benign. Last evaluated: 2021-03-13. Review status: criteria provided, single submitter. Criteria: LabCorp Variant Classification Summary - May 2015. Collection method: clinical testing. Allele origin: germline.

Eurofins Ntd Llc (ga)
Classification: Likely benign. Last evaluated: 2017-05-09. Review status: criteria provided, single submitter. Criteria: EGL Classification Definitions 2015. Collection method: clinical testing. Allele origin: germline. Observed: 4 variant alleles, 4 heterozygotes.

Athena Diagnostics
Classification: Benign. Last evaluated: 2016-12-05. Review status: criteria provided, single submitter. Criteria: Athena Diagnostics Criteria. Collection method: clinical testing. Allele origin: germline.

Laboratory for Molecular Medicine, Mass General Brigham Personalized Medicine
Classification: Likely benign. Last evaluated: 2016-08-14. Review status: criteria provided, single submitter. Criteria: LMM Criteria. Collection method: clinical testing. Allele origin: germline. Observed: 1 variant allele.
Comment: p.Gly25031Gly in Exon 275 of TTN: This variant is not expected to have clinical significance because it does not alter an amino acid residue, is not located wit hin the splice consensus sequence. It has been identified in 0.3% (26/9798) of A frican chromosomes by the Exome Aggregation Consortium (ExAC; dbSNP rs72648216).

GeneDx
Classification: Benign. Last evaluated: 2015-12-04. Review status: criteria provided, single submitter. Criteria: GeneDx Variant Classification (06012015). Collection method: clinical testing. Allele origin: germline. Affected: yes.
Comment: This variant is considered likely benign or benign based on one or more of the following criteria: it is a conservative change, it occurs at a poorly conserved position in the protein, it is predicted to be benign by multiple in silico algorithms, and/or has population frequency not consistent with disease.

Ambry Genetics
Classification: Likely benign for Cardiovascular phenotype. Last evaluated: 2015-10-28. Review status: criteria provided, single submitter. Criteria: Ambry Variant Classification Scheme 2023. Collection method: clinical testing. Allele origin: germline.

PreventionGenetics, part of Exact Sciences
Classification: Likely benign for TTN-related condition. Last evaluated: 2024-09-25. Review status: no assertion criteria provided. Collection method: clinical testing. Allele origin: germline. Not counted in ClinVar's aggregate classification.
Comment: This variant is classified as likely benign based on ACMG/AMP sequence variant interpretation guidelines (Richards et al. 2015 PMID: 25741868, with internal and published modifications).

NM_001267550.2(TTN):c.82797C>T (p.Gly27599=)

Genes: TTN (titin; minus strand), TTN-AS1 (TTN antisense RNA 1; plus strand). Cytogenetic location: 2q31.2.
Variant type: single nucleotide variant.
Coding change: c.82797C>T on transcript NM_001267550.2 (MANE Select); coding-DNA position 82797, C replaced by T.
Protein change: p.Gly27599=; no amino-acid change (glycine 27599 retained).
Molecular consequence: synonymous variant.
Genome position (GRCh38, 1-based): chr2:178,563,335, G>A on the plus strand (C>T on the coding strand, the complement: TTN is on the minus strand). VCF-style: chr2-178563335-G-A. GRCh37 (hg19) VCF-style: chr2-179428062-G-A.
Other names: p.Gly25031=; c.55977C>T, p.Gly18659= (NM_133432.3); c.56178C>T, p.Gly18726= (NM_133437.4); c.77874C>T, p.Gly25958= (NM_001256850.1); c.55602C>T, p.Gly18534= (NM_003319.4); c.75093C>T, p.Gly25031= (NM_133378.4).
Identifiers: ClinVar variation 264455 (VCV000264455.51), dbSNP rs72648216, ClinGen allele CA1989022.